The following is an entry in ClinVar:

NM_000540.3(RYR1):c.1202G>A (p.Arg401His)

Gene: RYR1 (ryanodine receptor 1; plus strand). Cytogenetic location: 19q13.2.
Variant type: single nucleotide variant.
Coding change: c.1202G>A on transcript NM_000540.3 (MANE Select); coding-DNA position 1202, G replaced by A.
Protein change: p.Arg401His; replaces arginine 401 with histidine.
Molecular consequence: missense variant.
Genome position (GRCh38, 1-based): chr19:38,451,843, G>A. VCF-style: chr19-38451843-G-A. GRCh37 (hg19) VCF-style: chr19-38942483-G-A.
Other names: NM_000540.2(RYR1):c.1202G>A; c.1202G>A, p.Arg401His (NM_001042723.2); short protein forms R401H.
Identifiers: ClinVar variation 133030 (VCV000133030.29), dbSNP rs193922766, ClinGen allele CA023959.
Genomic context (GRCh38, chr19:38,451,843, plus strand): 5'-GCCACATGGACGACGCACTGTCGCTGACCCGCTGCCAGCAGGAGGAGTCCCAGGCCGCCC[G>A]CATGATCCACAGCACCAATGGCCTATACAACCAGTTCATCAAGTGAGCAACCTGCCCTCC-3'
Protein context (NP_000531.2, residues 391-411): RCQQEESQAA[Arg401His]MIHSTNGLYN

ClinVar aggregate classification (germline): Pathogenic. Review status: reviewed by expert panel (3 of 4 stars). 8 submissions from 8 submitters: Pathogenic (1). 7 of the submissions do not count toward it. Last evaluated 2021-03-18.

Conditions:
RYR1-related myopathy. Identifiers: Orphanet 98742, MedGen CN305348, MONDO:0100150.
RYR1-related disorder. Also called: RYR1-related condition; RYR1-related disorders. Identifiers: MedGen CN239331.
Malignant hyperthermia of anesthesia. Also called: Anesthesic-triggered malignant hyperthermia. Identifiers: Orphanet 423, MedGen C0024591, MONDO:0018493, HP:0034733.
Malignant hyperthermia, susceptibility to, 1 (MHS1). Also called: Malignant hyperthermia suceptibility 1; Anesthesia related hyperthermia; Malignant hyperpyrexia; Fulminating hyperpyrexia; Pharmacogenic myopathy; RYR1-Related Malignant Hyperthermia Susceptibility. Identifiers: Orphanet 423, MedGen C2930980, MONDO:0007783, OMIM 145600.

Allele frequency attached by ClinVar (database versions not stated): gnomAD exomes below 0.00001.
gnomAD v4.1: 2 of 1,614,056 alleles (0.00012%); highest among the groups gnomAD compares: African/African-American, 0.0013%; no homozygotes.

Submissions (8):

ClinGen Malignant Hyperthermia Susceptibility Variant Curation Expert Panel, ClinGen
Classification: Pathogenic for Malignant hyperthermia, susceptibility to, 1. Last evaluated: 2021-03-18. Review status: reviewed by expert panel. Criteria: ClinGen MHS ACMG Specifications V1. Collection method: curation. Allele origin: germline. Inheritance: Autosomal dominant inheritance. Study: ClinGen.
Comment: This pathogenicity assessment is relevant only for malignant hyperthermia susceptibility (MHS) inherited in an autosomal dominant pattern. Variants in RYR1 can also cause other myopathies inherited in an autosomal dominant pattern or in an autosomal recessive pattern. Some of these disorders may predispose individuals to malignant hyperthermia. RYR1 variants may also contribute to a malignant hyperthermia reaction in combination with other genetic and non-genetic factors and the clinician needs to consider such factors in making management decisions. This sequence variant predicts a substitution of arginine with histidine at codon 401 of the RYR1 protein, p.(Arg401His). The maximum allele frequency for this variant in the Finish population in gnomAD was 0.000046 with one alternate allele. This variant was not identified in any of the six continental populations in gnomAD. This is consistent with pathogenicity. This variant has been reported in eight unrelated individuals who have a personal or family history of a malignant hyperthermia reaction, eight of these individuals had a positive in vitro contracture test (IVCT) or caffeine halothane contracture test (CHCT) result (if the proband was unavailable for testing, a positive diagnostic test result in a mutation-positive relative was counted), PS4 (PMID:12059893, PMID:16163667, PMID:30236257, PMID:23460944, PMID:24433488). This variant segregates with MHS in three individuals, PP1_Supporting ( PMID:12059893). Functional studies in HEK293 cells show an increased sensitivity to RYR1 agonists PS3_Moderate (PMID:26115329, PMID:31841587). This variant resides in a region of RYR1 considered to be a hotspot for pathogenic variants that contribute to MHS, PM1 (PMID: 21118704). This variant segregates with MHS in three individuals, PP1_Supporting (PMID:12059893). A REVEL score >0.85 (0.903) supports a pathogenic status for this variant, PP3_Moderate. This variant has been classified as Pathogenic. Criteria implemented: PS3_Moderate, PS4, PM1, PP1_Supporting, PP3_Moderate.

Labcorp Genetics (formerly Invitae), Labcorp
Classification: Pathogenic for RYR1-related disorder. Last evaluated: 2024-09-09. Review status: criteria provided, single submitter. Criteria: Invitae Variant Classification Sherloc (09022015). Collection method: clinical testing. Allele origin: germline. Not counted in ClinVar's aggregate classification.
Comment: This sequence change replaces arginine, which is basic and polar, with histidine, which is basic and polar, at codon 401 of the RYR1 protein (p.Arg401His). This variant is present in population databases (rs193922766, gnomAD 0.004%). This missense change has been observed in individuals with autosomal dominant malignant hyperthermia as well as autosomal recessive RYR1-related myopathy (PMID: 12059893, 24433488; internal data). It has also been observed to segregate with disease in related individuals. ClinVar contains an entry for this variant (Variation ID: 133030). Invitae Evidence Modeling of protein sequence and biophysical properties (such as structural, functional, and spatial information, amino acid conservation, physicochemical variation, residue mobility, and thermodynamic stability) has been performed for this missense variant. However, the output from this modeling did not meet the statistical confidence thresholds required to predict the impact of this variant on RYR1 protein function. This variant disrupts the p.Arg401 amino acid residue in RYR1. Other variant(s) that disrupt this residue have been determined to be pathogenic (PMID: 12066726, 16084090, 24433488, 25735680). This suggests that this residue is clinically significant, and that variants that disrupt this residue are likely to be disease-causing. For these reasons, this variant has been classified as Pathogenic.

CeGaT Center for Human Genetics Tuebingen
Classification: Pathogenic. Last evaluated: 2024-06-01. Review status: criteria provided, single submitter. Criteria: CeGaT Center For Human Genetics Tuebingen Variant Classification Criteria Version 2. Collection method: clinical testing. Allele origin: germline. Affected: yes. Observed: 1 variant allele. Not counted in ClinVar's aggregate classification.
Comment: RYR1: PP1:Strong, PM1, PM5, PS4:Moderate, PS3:Supporting

All of Us Research Program, National Institutes of Health
Classification: Pathogenic for Malignant hyperthermia, susceptibility to, 1. Last evaluated: 2024-04-10. Review status: criteria provided, single submitter. Criteria: ACMG Guidelines, 2015. Collection method: clinical testing. Allele origin: germline. Inheritance: Autosomal dominant inheritance. Observed: 1 variant allele, 1 heterozygote. Not counted in ClinVar's aggregate classification.
Comment: The c.1202G>A (p.Arg401His) variant of the RYR1 gene is a missense variant that replaces Arginine with Histidine at codon 401 of the RYR1 protein. This variant has been reported in seven unrelated individuals who have a personal or family history of a malignant hyperthermia reaction, and all these individuals had a positive in vitro contracture test (IVCT) or caffeine halothane contracture test (CHCT) result (PMID:12059893, 16163667, 30236257, 23460944, 24433488). The p.Arg401His variant has been shown to segregate with MHS in three individuals (PMID:12059893). This variant resides in a region of RYR1 considered to be a hotspot for pathogenic variants that contribute to malignant hyperthermia. Functional studies in HEK293 cells shows an increased sensitivity to RYR1 agonists (PMID: 26115329, 31841587). Computational prediction suggests that this variant may have deleterious impact on protein structure and function (REVEL 0.903, PMID: 27666373). Alteration affecting the same amino acid, c.1201C>T (p.Arg401Cys) and c.1202G>T (p.Arg401Leu), were classified as pathogenic and like pathogenic by the expert panel in ClinVar, respectively (ID:133029 and 983140). Based on the supporting evidence, this c.1202G>A (p.Arg401His) variant of RYR1 gene is classified as pathogenic.

This study involves interpretation of variants in research participants for the purpose of population health screening. Participant phenotype was not available at the time of variant classification. Additional details can be found in publication PMID: 35346344, PMCID: PMC8962531

Muscle and Diseases Team, Institut de Génétique et Biologie Moléculaire et Cellulaire
Classification: Likely pathogenic for RYR1-related myopathy. Last evaluated: 2024-03-01. Review status: criteria provided, single submitter. Criteria: ACMG Guidelines, 2015. Collection method: research. Allele origin: unknown. Affected: yes. Observed: 1 variant allele. Not counted in ClinVar's aggregate classification.
Comment: PM1+PM2+PM5+PP2+PP3

Blueprint Genetics
Classification: Pathogenic for RYR1-related disorders. Last evaluated: 2022-12-09. Review status: criteria provided, single submitter. Criteria: ACMG Guidelines, 2015. Collection method: clinical testing. Allele origin: germline. Affected: yes. Observed: 1 variant allele. Not counted in ClinVar's aggregate classification.

Laboratory for Molecular Medicine, Mass General Brigham Personalized Medicine
Classification: Likely pathogenic for Malignant hyperthermia of anesthesia. Last evaluated: 2020-06-11. Review status: criteria provided, single submitter. Criteria: ACMG Guidelines, 2015. Collection method: clinical testing. Allele origin: germline. Not counted in ClinVar's aggregate classification.
Comment: The p.Arg401His variant in RYR1 has been reported in 3 probands with malignant hyperthermia and segregated in 3 affected family members (Klingler 2014, Rueffert 2002). This variant was identified in 1/21644 of Finnish chromosomes by gnomAD. Several additional variants have been reported at amino acid position 401, including p.Arg401Cys which is classified as pathogenic / likely pathogenic in ClinVar (Variation ID 133029). In summary, although additional studies are required to fully establish its clinical significance, this variant meets criteria to be classified as likely pathogenic for autosomal dominant malignant hyperthermia. ACMG/AMP Criteria applied: PM2, PM5, PS4_Moderate, PP1.

RYR1 database
No classification provided. Review status: no classification provided. Collection method: not provided. Allele origin: unknown. Not counted in ClinVar's aggregate classification.

Literature cited by the submitters: PubMed 12059893 (cited by 3 submitters); PubMed 24433488 (cited by 3 submitters); PubMed 12066726 (cited by Labcorp Genetics (formerly Invitae), Labcorp and Laboratory for Molecular Medicine, Mass General Brigham Personalized Medicine); PubMed 16084090 (cited by Labcorp Genetics (formerly Invitae), Labcorp); PubMed 25735680 (cited by Labcorp Genetics (formerly Invitae), Labcorp); PubMed 16163667 (cited by All of Us Research Program, National Institutes of Health); PubMed 23460944 (cited by All of Us Research Program, National Institutes of Health); PubMed 26115329 (cited by All of Us Research Program, National Institutes of Health); PubMed 30236257 (cited by All of Us Research Program, National Institutes of Health); PubMed 31841587 (cited by All of Us Research Program, National Institutes of Health); DOI 10.1186/s13073-024-01353-0 (cited by Muscle and Diseases Team, Institut de Génétique et Biologie Moléculaire et Cellulaire).